The following is an entry in ClinVar:

ClinVar aggregate classification (germline): Uncertain significance (1 of 4 stars; one submission).

Conditions:
Inborn genetic diseases. Identifiers: MedGen C0950123, MeSH D030342.

Submission:

Ambry Genetics
Classification: Uncertain significance for Inborn genetic diseases. Last evaluated: 2026-07-06. Review status: criteria provided, single submitter. Criteria: Ambry Variant Classification Scheme 2023. Collection method: clinical testing. Allele origin: germline.
Comment: The p.A324G variant (also known as c.971C>G), located in coding exon 8 of the RUNX1 gene, results from a C to G substitution at nucleotide position 971. The alanine at codon 324 is replaced by glycine, an amino acid with similar properties. This amino acid position is conserved. In addition, this alteration is predicted to be tolerated by in silico analysis. Based on the available evidence, the clinical significance of this variant remains unclear.

NM_001754.5(RUNX1):c.971C>G (p.Ala324Gly)

Gene: RUNX1 (RUNX family transcription factor 1; minus strand). Cytogenetic location: 21q22.12.
Variant type: single nucleotide variant.
Coding change: c.971C>G on transcript NM_001754.5 (MANE Select); coding-DNA position 971, C replaced by G.
Protein change: p.Ala324Gly; replaces alanine 324 with glycine.
Molecular consequence: missense variant.
Genome position (GRCh38, 1-based): chr21:34,792,607, G>C on the plus strand (C>G on the coding strand, the complement: RUNX1 is on the minus strand). VCF-style: chr21-34792607-G-C. GRCh37 (hg19) VCF-style: chr21-36164904-G-C.
Other names: c.890C>G, p.Ala297Gly (NM_001001890.3); short protein forms A297G, A324G.
Identifiers: ClinVar variation 5028577 (VCV005028577.1).